The following is an entry in ClinVar:

NM_022124.6(CDH23):c.8310C>T (p.Ala2770=)

Gene: CDH23 (cadherin related 23; plus strand). Cytogenetic location: 10q22.1.
Variant type: single nucleotide variant.
Coding change: c.8310C>T on transcript NM_022124.6 (MANE Select); coding-DNA position 8310, C replaced by T.
Protein change: p.Ala2770=; no amino-acid change (alanine 2770 retained).
Molecular consequence: synonymous variant.
Genome position (GRCh38, 1-based): chr10:71,807,517, C>T. VCF-style: chr10-71807517-C-T. GRCh37 (hg19) VCF-style: chr10-73567274-C-T.
Other names: c.1590C>T, p.Ala530= (NM_001171933.1, NM_001171934.1).
Identifiers: ClinVar variation 766334 (VCV000766334.13), dbSNP rs749582906, ClinGen allele CA5546622.

ClinVar aggregate classification (germline): Likely benign. Review status: criteria provided, multiple submitters, no conflicts (2 of 4 stars). 4 submissions from 4 submitters: Likely benign (3). 1 of the submissions does not count toward it. Last evaluated 2026-01-25.

Conditions:
Usher syndrome type 1 (USH1). Also called: RETINITIS PIGMENTOSA AND CONGENITAL DEAFNESS. Identifiers: Orphanet 231169, Orphanet 886, MedGen C1568247, MONDO:0010168, OMIM 276900.
CDH23-related disorder. Also called: CDH23-related disorders; CDH23-related condition.

Allele frequency attached by ClinVar (database versions not stated): gnomAD exomes 0.00002; ExAC 0.00003; gnomAD 0.00003; TOPMed 0.00003.
gnomAD v4.1: 33 of 1,613,582 alleles (0.002%); highest among the groups gnomAD compares: South Asian, 0.012%; no homozygotes.

Submissions (4):

Labcorp Genetics (formerly Invitae), Labcorp
Classification: Likely benign. Last evaluated: 2026-01-25. Review status: criteria provided, single submitter. Criteria: Invitae Variant Classification Sherloc (09022015). Collection method: clinical testing. Allele origin: germline.

PreventionGenetics, part of Exact Sciences
Classification: Likely benign for CDH23-related condition. Last evaluated: 2025-08-05. Review status: criteria provided, single submitter. Criteria: ACMG Guidelines, 2015. Collection method: clinical testing. Allele origin: germline.
Comment: This variant is classified as likely benign based on ACMG/AMP sequence variant interpretation guidelines (Richards et al. 2015 PMID: 25741868, with internal and published modifications).

Blueprint Genetics
Classification: Likely benign. Last evaluated: 2023-02-13. Review status: criteria provided, single submitter. Criteria: ACMG Guidelines, 2015. Collection method: clinical testing. Allele origin: germline.

Natera, Inc.
Classification: Uncertain significance for Usher syndrome type 1. Last evaluated: 2020-04-17. Review status: no assertion criteria provided. Collection method: clinical testing. Allele origin: germline. Not counted in ClinVar's aggregate classification.